The following is an entry in ClinVar:

ClinVar aggregate classification (germline): Uncertain significance. Review status: criteria provided, multiple submitters, no conflicts (2 of 4 stars). 2 submissions from 2 submitters: Uncertain significance (2). Last evaluated 2023-11-15.

Conditions:
Hereditary cancer-predisposing syndrome. Also called: Hereditary Cancer Syndrome; Hereditary neoplastic syndrome; Neoplastic Syndromes, Hereditary; Tumor predisposition. Identifiers: Orphanet 140162, MedGen C0027672, MeSH D009386, MONDO:0015356.

Submissions (2):

Ambry Genetics
Classification: Uncertain significance for Hereditary cancer-predisposing syndrome. Last evaluated: 2023-11-15. Review status: criteria provided, single submitter. Criteria: Ambry Variant Classification Scheme 2023. Collection method: clinical testing. Allele origin: germline.
Comment: The c.4024delA variant, located in coding exon 10 of the MSH6 gene, results from a deletion of one nucleotide at nucleotide position 4024, causing a translational frameshift with a predicted alternate stop codon (p.R1342Gfs*4). This alteration occurs at the 3' terminus of theMSH6 gene, is not expected to trigger nonsense-mediated mRNAdecay, and only impacts the last 18 amino acids of the protein. The exact functional effect of this alteration is unknown. Since supporting evidence is limited at this time, the clinical significance of this alteration remains unclear.

Sema4
Classification: Uncertain significance for Hereditary cancer-predisposing syndrome. Last evaluated: 2022-01-01. Review status: criteria provided, single submitter. Criteria: Sema4 Curation Guidelines. Collection method: curation. Allele origin: germline.
Comment: The MSH6 c.4024delA (p.R1342GfsX4) variant has not been reported in the literature to our knowledge. This variant causes a frameshift at amino acid 1342 that results in premature termination 4 amino acids downstream. The variant is not predicted to cause nonsense-mediated decay, and it is expected to disrupt the last 19 amino acids of the MSH6 protein. It was not observed in the large and broad cohorts of the Genome Aggregation Database (PMID: 32461654), nor in ClinVar. The evidence is insufficient to meet ACMG/AMP criteria for classifying the variant as benign or pathogenic. Thus, the clinical significance of this variant is currently uncertain.

NM_000179.3(MSH6):c.4024del (p.Arg1342fs)

Gene: MSH6 (mutS homolog 6; plus strand). Cytogenetic location: 2p16.3.
Variant type: Deletion.
Coding change: c.4024del on transcript NM_000179.3 (MANE Select); coding-DNA position 4024, one base deleted (A; older notation c.4024delA).
Protein change: p.Arg1342fs; shifts the reading frame from arginine 1342.
Molecular consequence: frameshift variant.
Genome position (GRCh38, 1-based): chr2:47,806,801, A deleted; the last of 3 consecutive A bases (chr2:47,806,799-47,806,801); deleting any one gives the same sequence. VCF-style (leftmost placement, unchanged base first): chr2-47806798-GA-G. GRCh37 (hg19) VCF-style: chr2-48033937-GA-G.
Other names: c.3634del, p.Arg1212fs (NM_001281492.2); c.3118del, p.Arg1040fs (NM_001281493.2, NM_001281494.2); short protein forms R1040fs, R1212fs, R1342fs.
Identifiers: ClinVar variation 1692263 (VCV001692263.2), dbSNP rs2104581277, ClinGen allele CA2573134809.